The following is an entry in ClinVar:

ClinVar aggregate classification (germline): Likely benign (0 of 4 stars; one submission).

Conditions:
KALRN-related disorder. Also called: KALRN-related condition.

Allele frequency attached by ClinVar (database versions not stated): 1000 Genomes Project 0.00040; 1000 Genomes Project 30x 0.00062; ESP Exome Variant Server 0.00323.
gnomAD v4.1: 4,731 of 1,614,128 alleles (0.29%); highest among the groups gnomAD compares: Non-Finnish European, 0.37%; 9 homozygotes.

Submission:

PreventionGenetics, part of Exact Sciences
Classification: Likely benign for KALRN-related condition. Last evaluated: 2022-07-15. Review status: no assertion criteria provided. Collection method: clinical testing. Allele origin: germline.
Comment: This variant is classified as likely benign based on ACMG/AMP sequence variant interpretation guidelines (Richards et al. 2015 PMID: 25741868, with internal and published modifications).

NM_001388419.1(KALRN):c.5596G>A (p.Ala1866Thr)

Gene: KALRN (kalirin RhoGEF kinase; plus strand). Cytogenetic location: 3q21.2.
Variant type: single nucleotide variant.
Coding change: c.5596G>A on transcript NM_001388419.1 (MANE Select); coding-DNA position 5596, G replaced by A.
Protein change: p.Ala1866Thr; replaces alanine 1866 with threonine.
Molecular consequence: missense variant. On other transcripts: intron variant (4).
Genome position (GRCh38, 1-based): chr3:124,637,235, G>A. VCF-style: chr3-124637235-G-A. GRCh37 (hg19) VCF-style: chr3-124356082-G-A.
Other names: c.5593G>A, p.Ala1865Thr (NM_001024660.5); c.5590G>A, p.Ala1864Thr (NM_001322988.2); c.502G>A, p.Ala168Thr (NM_001322993.2, NM_001322995.2, NM_001322996.2 and 1 more transcripts); c.499G>A, p.Ala167Thr (NM_001322994.2, NM_001322997.2); c.3670G>A, p.Ala1224Thr (NM_001388412.1); c.474+3282G>A (NM_001322998.2, NM_001323000.2); c.471+3282G>A (NM_001322999.2, NM_001323001.2); short protein forms A1224T, A167T, A168T, A1864T, A1865T, A1866T.
Identifiers: ClinVar variation 3038115 (VCV003038115.2), dbSNP rs34157843, ClinGen allele CA2580514.
Genomic context (GRCh38, chr3:124,637,235, plus strand): 5'-TCTGCTTTTCCTCTGCTGCCCGATGTCTTGCAGTCCTCCTCTTTGCTAGCAGCCCGGCAG[G>A]CTTCCACTGAAGTACCTACTGCTGCAGACCTTGTCAATGCAATAGAAAAGTTGGTCAAAA-3'
Protein context (NP_001375348.1, residues 1856-1876): MSSSLLAARQ[Ala1866Thr]STEVPTAADL